The following is an entry in ClinVar:

ClinVar aggregate classification (germline): Conflicting classifications of pathogenicity. Review status: criteria provided, conflicting classifications (1 of 4 stars). 2 submissions from 2 submitters: Uncertain significance (1); Benign (1). Last evaluated 2026-01-27.

Conditions:
Primary ciliary dyskinesia. Also called: Ciliary dyskinesia. Identifiers: Orphanet 244, MedGen C0008780, MONDO:0016575, HP:0012265.

Allele frequency attached by ClinVar (database versions not stated): gnomAD exomes 0.00004 and 0.00024; gnomAD 0.00007; TOPMed 0.00012; ExAC 0.00023.
gnomAD v4.1: 71 of 1,613,852 alleles (0.0044%); highest among the groups gnomAD compares: East Asian, 0.14%; no homozygotes.

Submissions (2):

Labcorp Genetics (formerly Invitae), Labcorp
Classification: Benign for Primary ciliary dyskinesia. Last evaluated: 2026-01-27. Review status: criteria provided, single submitter. Criteria: Invitae Variant Classification Sherloc (09022015). Collection method: clinical testing. Allele origin: germline.

Ambry Genetics
Classification: Uncertain significance for Primary ciliary dyskinesia. Last evaluated: 2018-08-26. Review status: criteria provided, single submitter. Criteria: Ambry Variant Classification Scheme 2023. Collection method: clinical testing. Allele origin: germline.
Comment: The p.R842M variant (also known as c.2525G>T), located in coding exon 14 of the DNAH11 gene, results from a G to T substitution at nucleotide position 2525. The arginine at codon 842 is replaced by methionine, an amino acid with similar properties. This amino acid position is poorly conserved in available vertebrate species. In addition, this alteration is predicted to be tolerated by in silico analysis. Since supporting evidence is limited at this time, the clinical significance of this alteration remains unclear.

NM_001277115.2(DNAH11):c.2525G>T (p.Arg842Met)

Gene: DNAH11 (dynein axonemal heavy chain 11; plus strand). Cytogenetic location: 7p15.3.
Variant type: single nucleotide variant.
Coding change: c.2525G>T on transcript NM_001277115.2 (MANE Select); coding-DNA position 2525, G replaced by T.
Protein change: p.Arg842Met; replaces arginine 842 with methionine.
Molecular consequence: missense variant.
Genome position (GRCh38, 1-based): chr7:21,591,435, G>T. VCF-style: chr7-21591435-G-T. GRCh37 (hg19) VCF-style: chr7-21631053-G-T.
Other names: short protein forms R842M.
Identifiers: ClinVar variation 1600044 (VCV001600044.10), dbSNP rs546817580, ClinGen allele CA4179363.